The following is an entry in ClinVar:

ClinVar aggregate classification (germline): Uncertain significance. Review status: criteria provided, single submitter (1 of 4 stars). 2 submissions from 2 submitters: Uncertain significance (1). 1 of the submissions does not count toward it. Last evaluated 2025-01-22.

Conditions:
Inborn genetic diseases. Identifiers: MedGen C0950123, MeSH D030342.
Disorder of sexual differentiation. Also called: Disorder of sex development; Difference of sexual differentiation. Identifiers: Orphanet 90771, MedGen C2930619, MONDO:0002145.

Submissions (2):

Ambry Genetics
Classification: Uncertain significance for Inborn genetic diseases. Last evaluated: 2025-01-22. Review status: criteria provided, single submitter. Criteria: Ambry Variant Classification Scheme 2023. Collection method: clinical testing. Allele origin: germline.
Comment: The p.S323F variant (also known as c.968C>T), located in coding exon 5 of the WT1 gene, results from a C to T substitution at nucleotide position 968. The serine at codon 323 is replaced by phenylalanine, an amino acid with highly dissimilar properties. This amino acid position is well conserved in available vertebrate species. In addition, this alteration is predicted to be tolerated by in silico analysis. Based on the available evidence, the clinical significance of this variant remains unclear.

Human Developmental Genetics, Institut Pasteur
Classification: Likely pathogenic for Disorder of sexual differentiation. Last evaluated: 2021-08-17. Review status: no assertion criteria provided. Collection method: research. Allele origin: maternal. Inheritance: Autosomal dominant inheritance. Affected: yes. Not counted in ClinVar's aggregate classification.

NM_024426.6(WT1):c.983C>T (p.Ser328Phe)

Gene: WT1 (WT1 transcription factor; minus strand). Cytogenetic location: 11p13.
Variant type: single nucleotide variant.
Coding change: c.983C>T on transcript NM_024426.6 (MANE Select); coding-DNA position 983, C replaced by T.
Protein change: p.Ser328Phe; replaces serine 328 with phenylalanine.
Molecular consequence: missense variant. On other transcripts: non-coding transcript variant (1), intron variant (2).
Genome position (GRCh38, 1-based): chr11:32,416,523, G>A on the plus strand (C>T on the coding strand, the complement: WT1 is on the minus strand). VCF-style: chr11-32416523-G-A. GRCh37 (hg19) VCF-style: chr11-32438069-G-A.
Other names: c.332C>T, p.Ser111Phe (NM_001198551.2); c.983C>T, p.Ser328Phe (NM_001407044.1, NM_001407046.1, NM_024424.5); c.860C>T, p.Ser287Phe (NM_001407047.1); c.221C>T, p.Ser74Phe (NM_001407051.1); c.965+1054C>T (NM_000378.6); c.314+1054C>T (NM_001198552.2); c.968C>T (NM_024426.4); short protein forms S111F, S328F, S287F, S323F, S74F.
Identifiers: ClinVar variation 1202590 (VCV001202590.3), dbSNP rs2133032596, ClinGen allele CA379961818.